The following is an entry in ClinVar:

ClinVar aggregate classification (germline): Uncertain significance (1 of 4 stars; one submission).

Submission:

Labcorp Genetics (formerly Invitae), Labcorp
Classification: Uncertain significance. Last evaluated: 2019-05-03. Review status: criteria provided, single submitter. Criteria: Invitae Variant Classification Sherloc (09022015). Collection method: clinical testing. Allele origin: germline.
Comment: In summary, the available evidence is currently insufficient to determine the role of this variant in disease. Therefore, it has been classified as a Variant of Uncertain Significance. This sequence change replaces glycine with cysteine at codon 11 of the PPOX protein (p.Gly11Cys). The glycine residue is highly conserved and there is a large physicochemical difference between glycine and cysteine. This variant is not present in population databases (ExAC no frequency). This variant has not been reported in the literature in individuals with PPOX-related disease. Algorithms developed to predict the effect of missense changes on protein structure and function are either unavailable or do not agree on the potential impact of this missense change (SIFT: "Deleterious"; PolyPhen-2: "Probably Damaging"; Align-GVGD: "Class C0"). The observation of one or more missense substitutions at this codon (p.Gly11Asp and p.Gly11Ser) in affected individuals suggests that this may be a clinically significant residue (PMID: 21048046, 16947091, 11348478).

Literature cited by the submitters: PubMed 21048046; PubMed 16947091; PubMed 11348478.

NM_001122764.3(PPOX):c.31G>T (p.Gly11Cys)

Gene: PPOX (protoporphyrinogen oxidase; plus strand). Cytogenetic location: 1q23.3.
Variant type: single nucleotide variant.
Coding change: c.31G>T on transcript NM_001122764.3 (MANE Select); coding-DNA position 31, G replaced by T.
Protein change: p.Gly11Cys; replaces glycine 11 with cysteine.
Molecular consequence: missense variant. On other transcripts: 5 prime UTR variant (5).
Genome position (GRCh38, 1-based): chr1:161,166,878, G>T. VCF-style: chr1-161166878-G-T. GRCh37 (hg19) VCF-style: chr1-161136668-G-T.
Other names: c.31G>T, p.Gly11Cys (NM_000309.5, NM_001350128.2, NM_001365398.1 and 1 more transcripts); c.-397G>T (NM_001350129.2); c.-488G>T (NM_001350130.2); c.-374G>T (NM_001350131.2); c.-281G>T (NM_001365400.1); c.-340G>T (NM_001365401.1); short protein forms G11C.
Identifiers: ClinVar variation 661095 (VCV000661095.10), dbSNP rs1571325591, ClinGen allele CA343350433.
Genomic context (GRCh38, chr1:161,166,878, plus strand): 5'-CATATCGCCCCCTTTCCCCCAGGTTTCCGCATGGGCCGGACCGTGGTCGTGCTGGGCGGA[G>T]GCATCAGCGGCTTGGCCGCCAGTTACCACCTGAGCCGGGCCCCCTGCCCCCCTAAGGTGA-3'
Protein context (NP_001116236.1, residues 1-21): MGRTVVVLGG[Gly11Cys]ISGLAASYHL